The following is an entry in ClinVar:

ClinVar aggregate classification (germline): Benign/Likely benign. Review status: criteria provided, multiple submitters, no conflicts (2 of 4 stars). 2 submissions from 2 submitters: Benign (1); Likely benign (1). Last evaluated 2025-05-28.

Conditions:
GRHL3-related disorder. Also called: GRHL3-related condition.
Van der Woude syndrome 2 (VWS2). Identifiers: Orphanet 888, MedGen C1847604, MONDO:0011712, OMIM 606713.

Allele frequency attached by ClinVar (database versions not stated): TOPMed 0.00012; gnomAD 0.00018; gnomAD exomes 0.00021; ExAC 0.00038; 1000 Genomes Project 0.00040; 1000 Genomes Project 30x 0.00047.
gnomAD v4.1: 350 of 1,611,430 alleles (0.022%); highest among the groups gnomAD compares: Middle Eastern, 0.3%; 5 homozygotes.

Submissions (2):

PreventionGenetics, part of Exact Sciences
Classification: Likely benign for GRHL3-related condition. Last evaluated: 2025-05-28. Review status: criteria provided, single submitter. Criteria: ACMG Guidelines, 2015. Collection method: clinical testing. Allele origin: germline.
Comment: This variant is classified as likely benign based on ACMG/AMP sequence variant interpretation guidelines (Richards et al. 2015 PMID: 25741868, with internal and published modifications).

Labcorp Genetics (formerly Invitae), Labcorp
Classification: Benign for Van der Woude syndrome 2. Last evaluated: 2023-04-24. Review status: criteria provided, single submitter. Criteria: Invitae Variant Classification Sherloc (09022015). Collection method: clinical testing. Allele origin: germline.

NM_198173.3(GRHL3):c.221G>A (p.Arg74Gln)

Gene: GRHL3 (grainyhead like transcription factor 3; plus strand). Cytogenetic location: 1p36.11.
Variant type: single nucleotide variant.
Coding change: c.221G>A on transcript NM_198173.3 (MANE Select); coding-DNA position 221, G replaced by A.
Protein change: p.Arg74Gln; replaces arginine 74 with glutamine.
Molecular consequence: missense variant.
Genome position (GRCh38, 1-based): chr1:24,334,661, G>A. VCF-style: chr1-24334661-G-A. GRCh37 (hg19) VCF-style: chr1-24661151-G-A.
Other names: c.221G>A (NM_198173.2); c.83G>A, p.Arg28Gln (NM_001195010.2); c.236G>A, p.Arg79Gln (NM_021180.4); c.221G>A, p.Arg74Gln (NM_198174.3); short protein forms R79Q, R28Q, R74Q.
Identifiers: ClinVar variation 1953463 (VCV001953463.6), dbSNP rs534391501, ClinGen allele CA689849.